The following is an entry in ClinVar:

ClinVar aggregate classification (germline): Likely pathogenic (1 of 4 stars; one submission).

Conditions:
Long QT syndrome (LQTS). Identifiers: MedGen C0023976, MeSH D008133, MONDO:0002442. Disease mechanism: loss of function. Inheritance: Various modes of inheritance.

Submission:

Labcorp Genetics (formerly Invitae), Labcorp
Classification: Likely pathogenic for Long QT syndrome. Last evaluated: 2023-06-23. Review status: criteria provided, single submitter. Criteria: Invitae Variant Classification Sherloc (09022015). Collection method: clinical testing. Allele origin: germline.
Comment: This sequence change replaces phenylalanine, which is neutral and non-polar, with leucine, which is neutral and non-polar, at codon 340 of the KCNQ1 protein (p.Phe340Leu). This variant is not present in population databases (gnomAD no frequency). This missense change has been observed in individuals with long QT syndrome (PMID: 26496715, 29497013, 32004091). ClinVar contains an entry for this variant (Variation ID: 1488375). Advanced modeling of protein sequence and biophysical properties (such as structural, functional, and spatial information, amino acid conservation, physicochemical variation, residue mobility, and thermodynamic stability) performed at Invitae indicates that this missense variant is expected to disrupt KCNQ1 protein function. Experimental studies have shown that this missense change affects KCNQ1 function (PMID: 32004091). In summary, the currently available evidence indicates that the variant is pathogenic, but additional data are needed to prove that conclusively. Therefore, this variant has been classified as Likely Pathogenic.

Literature cited by the submitters: PubMed 26496715; PubMed 29497013; PubMed 32004091.

NM_000218.3(KCNQ1):c.1018T>C (p.Phe340Leu)

Gene: KCNQ1 (potassium voltage-gated channel subfamily Q member 1; plus strand). Cytogenetic location: 11p15.5.
Variant type: single nucleotide variant.
Coding change: c.1018T>C on transcript NM_000218.3 (MANE Select); coding-DNA position 1018, T replaced by C.
Protein change: p.Phe340Leu; replaces phenylalanine 340 with leucine.
Molecular consequence: missense variant.
Genome position (GRCh38, 1-based): chr11:2,583,531, T>C. VCF-style: chr11-2583531-T-C. GRCh37 (hg19) VCF-style: chr11-2604761-T-C.
Other names: c.1018T>C, p.Phe340Leu (NM_001406836.1); c.748T>C, p.Phe250Leu (NM_001406837.1); c.574T>C, p.Phe192Leu (NM_001406838.1); c.637T>C, p.Phe213Leu (NM_181798.2); short protein forms F213L, F340L, F250L, F192L.
Identifiers: ClinVar variation 1488375 (VCV001488375.7), dbSNP rs2133750942, ClinGen allele CA379133117.